The following is an entry in ClinVar:

ClinVar aggregate classification (germline): Benign/Likely benign. Review status: criteria provided, multiple submitters, no conflicts (2 of 4 stars). 4 submissions from 4 submitters: Benign (2); Likely benign (2). Last evaluated 2026-01-26.

Conditions:
Finnish type amyloidosis. Also called: AMYLOID CRANIAL NEUROPATHY WITH LATTICE CORNEAL DYSTROPHY; AMYLOIDOSIS DUE TO MUTANT GELSOLIN; Amyloidosis, familial, Finnish type; Meretoja type amyloidosis; Amyloidosis 5; Lattice corneal dystrophy associated with familial systemic amyloidosis. Identifiers: Orphanet 85448, MedGen C1622345, MONDO:0007097, OMIM 105120.

Allele frequency attached by ClinVar (database versions not stated): gnomAD 0.00001 and 0.00012; TOPMed 0.00004; gnomAD exomes 0.00040 and 0.00083; 1000 Genomes Project 0.00100; ExAC 0.00104; 1000 Genomes Project 30x 0.00141.
gnomAD v4.1: 604 of 1,613,874 alleles (0.037%); highest among the groups gnomAD compares: South Asian, 0.63%; 5 homozygotes.

Submissions (4):

Labcorp Genetics (formerly Invitae), Labcorp
Classification: Benign. Last evaluated: 2026-01-26. Review status: criteria provided, single submitter. Criteria: Invitae Variant Classification Sherloc (09022015). Collection method: clinical testing. Allele origin: germline.

Blueprint Genetics
Classification: Likely benign. Last evaluated: 2024-11-14. Review status: criteria provided, single submitter. Criteria: ACMG Guidelines, 2015. Collection method: clinical testing. Allele origin: germline.

Fulgent Genetics
Classification: Likely benign for Finnish type amyloidosis. Last evaluated: 2021-10-20. Review status: criteria provided, single submitter. Criteria: ACMG Guidelines, 2015. Collection method: clinical testing. Allele origin: unknown.

Illumina Laboratory Services, Illumina
Classification: Benign for Finnish type amyloidosis. Last evaluated: 2018-01-13. Review status: criteria provided, single submitter. Criteria: ICSL Variant Classification Criteria 13 December 2019. Collection method: clinical testing. Allele origin: germline.
Comment: This variant was observed in the ICSL laboratory as part of a predisposition screen in an ostensibly healthy population. It had not been previously curated by ICSL or reported in the Human Gene Mutation Database (HGMD: prior to June 1st, 2018), and was therefore a candidate for classification through an automated scoring system. Utilizing variant allele frequency, disease prevalence and penetrance estimates, and inheritance mode, an automated score was calculated to assess if this variant is too frequent to cause the disease. Based on the score and internal cut-off values, a variant classified as benign is not then subjected to further curation. The score for this variant resulted in a classification of benign for this disease.

NM_198252.3(GSN):c.1009C>T (p.Leu337=)

Gene: GSN (gelsolin; plus strand). Cytogenetic location: 9q33.2.
Variant type: single nucleotide variant.
Coding change: c.1009C>T on transcript NM_198252.3 (MANE Select); coding-DNA position 1009, C replaced by T.
Protein change: p.Leu337=; no amino-acid change (leucine 337 retained).
Molecular consequence: synonymous variant.
Genome position (GRCh38, 1-based): chr9:121,318,698, C>T. VCF-style: chr9-121318698-C-T. GRCh37 (hg19) VCF-style: chr9-124080976-C-T.
Other names: c.1162C>T, p.Leu388= (NM_000177.5); c.1009C>T, p.Leu337= (NM_001127662.2, NM_001127664.2, NM_001127665.2 and 10 more transcripts); c.1117C>T, p.Leu373= (NM_001127663.2); c.1042C>T, p.Leu348= (NM_001127666.2, NM_001127667.2, NM_001353063.2 and 13 more transcripts); c.1060C>T, p.Leu354= (NM_001258029.2); c.1033C>T, p.Leu345= (NM_001258030.2); c.1081C>T, p.Leu361= (NM_001353076.2); c.355C>T, p.Leu119= (NM_001353078.2).
Identifiers: ClinVar variation 741993 (VCV000741993.14), dbSNP rs528161256, ClinGen allele CA5221121.
Genomic context (GRCh38, chr9:121,318,698, plus strand): 5'-TCCTGCTCCTCTGCCTCCCCTCCCCAGGTCTCGGTCCTTCCTGAGGGCGGTGAGACCCCA[C>T]TGTTCAAGCAGTTCTTCAAGAACTGGCGGGACCCAGACCAGACAGATGGCCTGGGCTTGT-3'
Protein context (NP_937895.1, residues 327-347): SVLPEGGETP[Leu337=]FKQFFKNWRD